The following is an entry in ClinVar:

ClinVar aggregate classification (germline): Uncertain significance (1 of 4 stars; one submission).

Submission:

GeneDx
Classification: Uncertain significance. Last evaluated: 2023-03-06. Review status: criteria provided, single submitter. Criteria: GeneDx Variant Classification Process June 2021. Collection method: clinical testing. Allele origin: germline. Affected: yes.
Comment: Not observed at significant frequency in large population cohorts (gnomAD); In silico analysis supports that this missense variant does not alter protein structure/function; Has not been previously published as pathogenic or benign to our knowledge

NM_016222.4(DDX41):c.43G>A (p.Glu15Lys)

Gene: DDX41 (DEAD-box helicase 41; minus strand). Cytogenetic location: 5q35.3.
Variant type: single nucleotide variant.
Coding change: c.43G>A on transcript NM_016222.4 (MANE Select); coding-DNA position 43, G replaced by A.
Protein change: p.Glu15Lys; replaces glutamic acid 15 with lysine.
Molecular consequence: missense variant. On other transcripts: 5 prime UTR variant (2).
Genome position (GRCh38, 1-based): chr5:177,516,820, C>T on the plus strand (G>A on the coding strand, the complement: DDX41 is on the minus strand). VCF-style: chr5-177516820-C-T. GRCh37 (hg19) VCF-style: chr5-176943821-C-T.
Other names: c.-613G>A (NM_001321732.2); c.-405G>A (NM_001321830.2); short protein forms E15K.
Identifiers: ClinVar variation 2579323 (VCV002579323.1), dbSNP rs1182905371, ClinGen allele CA362377963.
Genomic context (GRCh38, chr5:177,516,820, plus strand): 5'-GCACGTAGTCCTCGTCGTCCTCATCTTCCGCCTCGGAGCGGCTTCCTCCGGCAGGCACCT[C>T]GTCGGTGCGAGCCCGCTGCAAGCACACGCCAGTCAGGCACGGCCTGCTCCCCTCTTCACG-3'
Protein context (NP_057306.2, residues 5-25): EPERKRARTD[Glu15Lys]VPAGGSRSEA